The following is an entry in ClinVar:

NM_006767.4(LZTR1):c.2396A>G (p.Gln799Arg)

Gene: LZTR1 (leucine zipper like post translational regulator 1; plus strand). Cytogenetic location: 22q11.21.
Variant type: single nucleotide variant.
Coding change: c.2396A>G on transcript NM_006767.4 (MANE Select); coding-DNA position 2396, A replaced by G.
Protein change: p.Gln799Arg; replaces glutamine 799 with arginine.
Molecular consequence: missense variant.
Genome position (GRCh38, 1-based): chr22:20,996,956, A>G. VCF-style: chr22-20996956-A-G. GRCh37 (hg19) VCF-style: chr22-21351245-A-G.
Other names: short protein forms Q799R.
Identifiers: ClinVar variation 3869281 (VCV003869281.1).

ClinVar aggregate classification (germline): Uncertain significance (1 of 4 stars; one submission).

Conditions:
Cardiovascular phenotype. Identifiers: MedGen CN230736.
Hereditary cancer-predisposing syndrome. Also called: Tumor predisposition; Neoplastic Syndromes, Hereditary; Hereditary Cancer Syndrome; Hereditary neoplastic syndrome. Identifiers: Orphanet 140162, MedGen C0027672, MeSH D009386, MONDO:0015356.

Submission:

Ambry Genetics
Classification: Uncertain significance for Cardiovascular phenotype; Hereditary cancer-predisposing syndrome. Last evaluated: 2024-12-28. Review status: criteria provided, single submitter. Criteria: Ambry Variant Classification Scheme 2023. Collection method: clinical testing. Allele origin: germline.
Comment: The p.Q799R variant (also known as c.2396A>G), located in coding exon 20 of the LZTR1 gene, results from an A to G substitution at nucleotide position 2396. The glutamine at codon 799 is replaced by arginine, an amino acid with highly similar properties. This amino acid position is conserved. In addition, the in silico prediction for this alteration is inconclusive. Based on the available evidence, the clinical significance of this variant remains unclear.